The following is an entry in ClinVar:

NM_018489.3(ASH1L):c.7091G>A (p.Arg2364Gln)

Gene: ASH1L (ASH1 like histone lysine methyltransferase; minus strand). Cytogenetic location: 1q22.
Variant type: single nucleotide variant.
Coding change: c.7091G>A on transcript NM_018489.3 (MANE Select); coding-DNA position 7091, G replaced by A.
Protein change: p.Arg2364Gln; replaces arginine 2364 with glutamine.
Molecular consequence: missense variant.
Genome position (GRCh38, 1-based): chr1:155,354,595, C>T on the plus strand (G>A on the coding strand, the complement: ASH1L is on the minus strand). VCF-style: chr1-155354595-C-T. GRCh37 (hg19) VCF-style: chr1-155324386-C-T.
Other names: c.7106G>A, p.Arg2369Gln (NM_001366177.2); short protein forms R2364Q, R2369Q.
Identifiers: ClinVar variation 2808909 (VCV002808909.3), dbSNP rs1443803670, ClinGen allele CA342747857.

ClinVar aggregate classification (germline): Uncertain significance (1 of 4 stars; one submission).

Allele frequency attached by ClinVar (database versions not stated): TOPMed 0.00001.

Submission:

Labcorp Genetics (formerly Invitae), Labcorp
Classification: Uncertain significance. Last evaluated: 2022-11-07. Review status: criteria provided, single submitter. Criteria: Invitae Variant Classification Sherloc (09022015). Collection method: clinical testing. Allele origin: germline.
Comment: In summary, the available evidence is currently insufficient to determine the role of this variant in disease. Therefore, it has been classified as a Variant of Uncertain Significance. Algorithms developed to predict the effect of missense changes on protein structure and function (SIFT, PolyPhen-2, Align-GVGD) all suggest that this variant is likely to be disruptive. This variant has not been reported in the literature in individuals affected with ASH1L-related conditions. This variant is not present in population databases (gnomAD no frequency). This sequence change replaces arginine, which is basic and polar, with glutamine, which is neutral and polar, at codon 2364 of the ASH1L protein (p.Arg2364Gln).